The following is an entry in ClinVar:

ClinVar aggregate classification (germline): Uncertain significance (1 of 4 stars; one submission).

Conditions:
Walker-Warburg congenital muscular dystrophy. Also called: Muscular dystrophy-dystroglycanopathy, type A; Walker-Warburg syndrome. Identifiers: Orphanet 899, MedGen C0265221, MONDO:0000171.

gnomAD v4.1: 2 of 1,495,870 alleles (0.00013%); highest among the groups gnomAD compares: Admixed American, 0.0044%; no homozygotes.

Submission:

Labcorp Genetics (formerly Invitae), Labcorp
Classification: Uncertain significance for Walker-Warburg congenital muscular dystrophy. Last evaluated: 2022-07-23. Review status: criteria provided, single submitter. Criteria: Invitae Variant Classification Sherloc (09022015). Collection method: clinical testing. Allele origin: germline.
Comment: This sequence change replaces arginine, which is basic and polar, with proline, which is neutral and non-polar, at codon 143 of the FKRP protein (p.Arg143Pro). This variant is not present in population databases (gnomAD no frequency). This variant has not been reported in the literature in individuals affected with FKRP-related conditions. ClinVar contains an entry for this variant (Variation ID: 1380209). Algorithms developed to predict the effect of missense changes on protein structure and function are either unavailable or do not agree on the potential impact of this missense change (SIFT: "Deleterious"; PolyPhen-2: "Possibly Damaging"; Align-GVGD: "Class C0"). In summary, the available evidence is currently insufficient to determine the role of this variant in disease. Therefore, it has been classified as a Variant of Uncertain Significance.

NM_024301.5(FKRP):c.428G>C (p.Arg143Pro)

Gene: FKRP (fukutin related protein; plus strand). Cytogenetic location: 19q13.32.
Variant type: single nucleotide variant.
Coding change: c.428G>C on transcript NM_024301.5 (MANE Select); coding-DNA position 428, G replaced by C.
Protein change: p.Arg143Pro; replaces arginine 143 with proline.
Molecular consequence: missense variant.
Genome position (GRCh38, 1-based): chr19:46,755,878, G>C. VCF-style: chr19-46755878-G-C. GRCh37 (hg19) VCF-style: chr19-47259135-G-C.
Other names: c.428G>C, p.Arg143Pro (NM_001039885.3); short protein forms R143P.
Identifiers: ClinVar variation 1380209 (VCV001380209.3), dbSNP rs1201804052, ClinGen allele CA406495305.